The following is an entry in ClinVar:

ClinVar aggregate classification (germline): Uncertain significance (1 of 4 stars; one submission).

Submission:

Women's Health and Genetics/Laboratory Corporation of America, LabCorp
Classification: Uncertain significance. Last evaluated: 2025-11-10. Review status: criteria provided, single submitter. Criteria: LabCorp Variant Classification Summary - May 2015. Collection method: clinical testing. Allele origin: germline.
Comment: Variant summary: TNXB c.8970_9611del involves the deletion of the 3'-part of exon 26 through exon 27, and the 5'-part of exon 28 in the TNXB gene. Since this variant might also affect splicing, therefore in silico predictions of the overall protein level effect might be unreliable. The variant was absent in 462841 control chromosomes in the gnomAD database (CNVs v4.1 dataset). However, the TNXB gene is known to be located in a region affected by copy number variability and pseudogene interference, therefore the gnomAD frequency data for copy number variants in this region might not be reliable. To our knowledge, no occurrence of c.8970_9611del in individuals affected with TNXB-related conditions and no experimental evidence demonstrating its impact on protein function have been reported. No submitters have cited clinical-significance assessments for this variant to ClinVar. Based on the evidence outlined above, the variant was classified as uncertain significance.

NM_019105.8:c.8970_9611del

Gene: TNXB (tenascin XB; minus strand).
Variant type: Deletion.
Other names: c.8970_9611del (NM_019105.8).
Identifiers: ClinVar variation 4536897 (VCV004536897.1).